The following is an entry in ClinVar:

NM_000179.3(MSH6):c.69C>T (p.Ala23=)

Gene: MSH6 (mutS homolog 6; plus strand). Cytogenetic location: 2p16.3.
Variant type: single nucleotide variant.
Coding change: c.69C>T on transcript NM_000179.3 (MANE Select); coding-DNA position 69, C replaced by T.
Protein change: p.Ala23=; no amino-acid change (alanine 23 retained).
Molecular consequence: synonymous variant. On other transcripts: 5 prime UTR variant (1).
Genome position (GRCh38, 1-based): chr2:47,783,302, C>T. VCF-style: chr2-47783302-C-T. GRCh37 (hg19) VCF-style: chr2-48010441-C-T.
Other names: c.69C>T, p.Ala23= (NM_001281492.2); c.-668C>T (NM_001281493.2).
Identifiers: ClinVar variation 759609 (VCV000759609.14), dbSNP rs1057522077, ClinGen allele CA426120511.

ClinVar aggregate classification (germline): Benign/Likely benign. Review status: criteria provided, multiple submitters, no conflicts (2 of 4 stars). 3 submissions from 3 submitters: Benign (1); Likely benign (2). Last evaluated 2024-12-17.

Conditions:
Hereditary cancer-predisposing syndrome. Also called: Tumor predisposition; Neoplastic Syndromes, Hereditary; Hereditary Cancer Syndrome; Hereditary neoplastic syndrome. Identifiers: Orphanet 140162, MedGen C0027672, MeSH D009386, MONDO:0015356.
Lynch syndrome 5 (LYNCH5). Also called: Colorectal cancer, hereditary nonpolyposis, type 5; Hereditary non-polyposis colorectal cancer, type 5. Identifiers: Orphanet 144, MedGen C1833477, MONDO:0013710, OMIM 614350. Disease mechanism: loss of function.
Hereditary nonpolyposis colorectal neoplasms. Identifiers: MedGen C0009405, MeSH D003123.

Submissions (3):

Myriad Genetics, Inc.
Classification: Benign for Lynch syndrome 5. Last evaluated: 2024-12-17. Review status: criteria provided, single submitter. Criteria: Myriad Autosomal Dominant, Autosomal Recessive and X-Linked Classification Criteria (2023). Collection method: clinical testing. Allele origin: unknown.
Comment: This variant is considered benign. This variant is a silent/synonymous amino acid change and it is not expected to impact splicing.

Labcorp Genetics (formerly Invitae), Labcorp
Classification: Likely benign for Hereditary nonpolyposis colorectal neoplasms. Last evaluated: 2021-10-20. Review status: criteria provided, single submitter. Criteria: Invitae Variant Classification Sherloc (09022015). Collection method: clinical testing. Allele origin: germline.

Ambry Genetics
Classification: Likely benign for Hereditary cancer-predisposing syndrome. Last evaluated: 2021-09-07. Review status: criteria provided, single submitter. Criteria: Ambry Variant Classification Scheme 2023. Collection method: clinical testing. Allele origin: germline.